The following is an entry in ClinVar:

NM_006030.4(CACNA2D2):c.1339+4C>T

Gene: CACNA2D2 (calcium voltage-gated channel auxiliary subunit alpha2delta 2; minus strand). Cytogenetic location: 3p21.31.
Variant type: single nucleotide variant.
Coding change: c.1339+4C>T on transcript NM_006030.4 (MANE Select); 4 bases into the intron after coding-DNA position 1339, C replaced by T.
Molecular consequence: intron variant.
Genome position (GRCh38, 1-based): chr3:50,378,911, G>A on the plus strand (C>T on the coding strand, the complement: CACNA2D2 is on the minus strand). VCF-style: chr3-50378911-G-A. GRCh37 (hg19) VCF-style: chr3-50416342-G-A.
Other names: c.1132+4C>T (NM_001291101.1); c.1339+4C>T (NM_001005505.3, NM_001174051.3).
Identifiers: ClinVar variation 1414867 (VCV001414867.7), dbSNP rs2106657382, ClinGen allele CA2573137138.

ClinVar aggregate classification (germline): Uncertain significance (1 of 4 stars; one submission).

Conditions:
Early-infantile DEE. Also called: Early infantile epileptic encephalopathy; Ohtahara syndrome; Early infantile epileptic encephalopathy with suppression bursts. Identifiers: Orphanet 1934, MedGen C0393706, MONDO:0800491.

Allele frequency attached by ClinVar (database versions not stated): gnomAD exomes below 0.00001.
gnomAD v4.1: 1 of 1,613,728 alleles (0.000062%); highest among the groups gnomAD compares: Non-Finnish European, 0.000085%; no homozygotes.

Submission:

Labcorp Genetics (formerly Invitae), Labcorp
Classification: Uncertain significance for Early-infantile DEE. Last evaluated: 2020-11-25. Review status: criteria provided, single submitter. Criteria: Invitae Variant Classification Sherloc (09022015). Collection method: clinical testing. Allele origin: germline.
Comment: Nucleotide substitutions within the consensus splice site are a relatively common cause of aberrant splicing (PMID: 17576681, 9536098). Algorithms developed to predict the effect of sequence changes on RNA splicing suggest that this variant is not likely to affect RNA splicing, but this prediction has not been confirmed by published transcriptional studies. In summary, the available evidence is currently insufficient to determine the role of this variant in disease. Therefore, it has been classified as a Variant of Uncertain Significance. This variant has not been reported in the literature in individuals with CACNA2D2-related conditions. This variant is not present in population databases (ExAC no frequency). This sequence change falls in intron 13 of the CACNA2D2 gene. It does not directly change the encoded amino acid sequence of the CACNA2D2 protein. It affects a nucleotide within the consensus splice site of the intron.

Literature cited by the submitters: PubMed 17576681; PubMed 9536098.